The following is an entry in ClinVar:

NM_014425.5(INVS):c.1189G>A (p.Ala397Thr)

Gene: INVS (inversin; plus strand). Cytogenetic location: 9q31.1.
Variant type: single nucleotide variant.
Coding change: c.1189G>A on transcript NM_014425.5 (MANE Select); coding-DNA position 1189, G replaced by A.
Protein change: p.Ala397Thr; replaces alanine 397 with threonine.
Molecular consequence: missense variant. On other transcripts: non-coding transcript variant (1).
Genome position (GRCh38, 1-based): chr9:100,252,393, G>A. VCF-style: chr9-100252393-G-A. GRCh37 (hg19) VCF-style: chr9-103014675-G-A.
Other names: c.901G>A, p.Ala301Thr (NM_001318381.2); c.211G>A, p.Ala71Thr (NM_001318382.2); short protein forms A301T, A397T, A71T.
Identifiers: ClinVar variation 2913018 (VCV002913018.3), dbSNP rs749012941, ClinGen allele CA5158343.

ClinVar aggregate classification (germline): Uncertain significance (1 of 4 stars; one submission).

Conditions:
Nephronophthisis. Also called: Juvenile Nephronophthisis. Identifiers: Orphanet 655, MedGen C0687120, MONDO:0019005, HP:0000090.

Allele frequency attached by ClinVar (database versions not stated): gnomAD exomes below 0.00001; ExAC 0.00001; gnomAD 0.00001; TOPMed 0.00002.
gnomAD v4.1: 2 of 1,613,814 alleles (0.00012%); highest among the groups gnomAD compares: African/African-American, 0.0013%; no homozygotes.

Submission:

Labcorp Genetics (formerly Invitae), Labcorp
Classification: Uncertain significance for Nephronophthisis. Last evaluated: 2023-11-10. Review status: criteria provided, single submitter. Criteria: Invitae Variant Classification Sherloc (09022015). Collection method: clinical testing. Allele origin: germline.
Comment: This sequence change replaces alanine, which is neutral and non-polar, with threonine, which is neutral and polar, at codon 397 of the INVS protein (p.Ala397Thr). The frequency data for this variant in the population databases is considered unreliable, as metrics indicate poor data quality at this position in the gnomAD database. This variant has not been reported in the literature in individuals affected with INVS-related conditions. An algorithm developed to predict the effect of missense changes on protein structure and function (PolyPhen-2) suggests that this variant is likely to be disruptive. In summary, the available evidence is currently insufficient to determine the role of this variant in disease. Therefore, it has been classified as a Variant of Uncertain Significance.